The following is an entry in ClinVar:

ClinVar aggregate classification (germline): Uncertain significance. Review status: criteria provided, multiple submitters, no conflicts (2 of 4 stars). 2 submissions from 2 submitters: Uncertain significance (2). Last evaluated 2025-04-13.

Conditions:
Inborn genetic diseases. Identifiers: MedGen C0950123, MeSH D030342.
Chédiak-Higashi syndrome (CHS). Also called: Chediak-Higashi Syndrome. Identifiers: Orphanet 167, MedGen C0007965, MONDO:0008963, OMIM 214500.

Allele frequency attached by ClinVar (database versions not stated): ExAC 0.00001; gnomAD 0.00001; gnomAD exomes 0.00001.

Submissions (2):

Ambry Genetics
Classification: Uncertain significance for Inborn genetic diseases. Last evaluated: 2025-04-13. Review status: criteria provided, single submitter. Criteria: Ambry Variant Classification Scheme 2023. Collection method: clinical testing. Allele origin: germline.

Labcorp Genetics (formerly Invitae), Labcorp
Classification: Uncertain significance for Chédiak-Higashi syndrome. Last evaluated: 2022-07-19. Review status: criteria provided, single submitter. Criteria: Invitae Variant Classification Sherloc (09022015). Collection method: clinical testing. Allele origin: germline.
Comment: This sequence change replaces lysine, which is basic and polar, with arginine, which is basic and polar, at codon 879 of the LYST protein (p.Lys879Arg). This variant is present in population databases (rs751525949, gnomAD 0.004%). This variant has not been reported in the literature in individuals affected with LYST-related conditions. Algorithms developed to predict the effect of missense changes on protein structure and function output the following: SIFT: "Tolerated"; PolyPhen-2: "Benign"; Align-GVGD: "Class C0". The arginine amino acid residue is found in multiple mammalian species, which suggests that this missense change does not adversely affect protein function. In summary, the available evidence is currently insufficient to determine the role of this variant in disease. Therefore, it has been classified as a Variant of Uncertain Significance.

NM_000081.4(LYST):c.2636A>G (p.Lys879Arg)

Gene: LYST (lysosomal trafficking regulator; minus strand). Cytogenetic location: 1q42.3.
Variant type: single nucleotide variant.
Coding change: c.2636A>G on transcript NM_000081.4 (MANE Select); coding-DNA position 2636, A replaced by G.
Protein change: p.Lys879Arg; replaces lysine 879 with arginine.
Molecular consequence: missense variant.
Genome position (GRCh38, 1-based): chr1:235,806,500, T>C on the plus strand (A>G on the coding strand, the complement: LYST is on the minus strand). VCF-style: chr1-235806500-T-C. GRCh37 (hg19) VCF-style: chr1-235969800-T-C.
Other names: c.2636A>G (NM_000081.2); c.2636A>G, p.Lys879Arg (NM_001301365.1); short protein forms K879R.
Identifiers: ClinVar variation 1989802 (VCV001989802.2), dbSNP rs751525949, ClinGen allele CA1467242.